The following is an entry in ClinVar:

ClinVar aggregate classification (germline): Uncertain significance (1 of 4 stars; one submission).

Submission:

Labcorp Genetics (formerly Invitae), Labcorp
Classification: Uncertain significance. Last evaluated: 2020-11-05. Review status: criteria provided, single submitter. Criteria: Invitae Variant Classification Sherloc (09022015). Collection method: clinical testing. Allele origin: germline.
Comment: In summary, the available evidence is currently insufficient to determine the role of this variant in disease. Therefore, it has been classified as a Variant of Uncertain Significance. Algorithms developed to predict the effect of missense changes on protein structure and function are either unavailable or do not agree on the potential impact of this missense change (SIFT: "Deleterious"; PolyPhen-2: "Benign"; Align-GVGD: "Class C0"). This variant has not been reported in the literature in individuals with EFL1-related conditions. This variant is not present in population databases (ExAC no frequency). This sequence change replaces arginine with glutamine at codon 998 of the EFL1 protein (p.Arg998Gln). The arginine residue is moderately conserved and there is a small physicochemical difference between arginine and glutamine.

NM_024580.6(EFL1):c.2993G>A (p.Arg998Gln)

Gene: EFL1 (elongation factor like GTPase 1; minus strand). Cytogenetic location: 15q25.2.
Variant type: single nucleotide variant.
Coding change: c.2993G>A on transcript NM_024580.6 (MANE Select); coding-DNA position 2993, G replaced by A.
Protein change: p.Arg998Gln; replaces arginine 998 with glutamine.
Molecular consequence: missense variant. On other transcripts: non-coding transcript variant (1).
Genome position (GRCh38, 1-based): chr15:82,138,839, C>T on the plus strand (G>A on the coding strand, the complement: EFL1 is on the minus strand). VCF-style: chr15-82138839-C-T. GRCh37 (hg19) VCF-style: chr15-82431180-C-T.
Other names: c.2840G>A, p.Arg947Gln (NM_001040610.3); c.2204G>A, p.Arg735Gln (NM_001322844.2); c.2993G>A, p.Arg998Gln (NM_001322845.2); short protein forms R735Q, R947Q, R998Q.
Identifiers: ClinVar variation 1419320 (VCV001419320.8), dbSNP rs1595935739, ClinGen allele CA393283675.